The following is an entry in ClinVar:

NM_006019.4(TCIRG1):c.2314G>A (p.Val772Met)

Gene: TCIRG1 (T cell immune regulator 1, ATPase H+ transporting V0 subunit a3; plus strand). Cytogenetic location: 11q13.2.
Variant type: single nucleotide variant.
Coding change: c.2314G>A on transcript NM_006019.4 (MANE Select); coding-DNA position 2314, G replaced by A.
Protein change: p.Val772Met; replaces valine 772 with methionine.
Molecular consequence: missense variant.
Genome position (GRCh38, 1-based): chr11:68,050,564, G>A. VCF-style: chr11-68050564-G-A. GRCh37 (hg19) VCF-style: chr11-67818031-G-A.
Other names: c.1420G>A, p.Val474Met (NM_001351059.2); c.1666G>A, p.Val556Met (NM_006053.4); short protein forms V474M, V556M, V772M.
Identifiers: ClinVar variation 3604413 (VCV003604413.2).
Genomic context (GRCh38, chr11:68,050,564, plus strand): 5'-TGGGCCATGGTGATGCGCATAGGCCTGGGCCTGGGCCGGGAGGTGGGCGTGGCGGCTGTG[G>A]TGCTGGTCCCCATCTTTGCCGCCTTTGCCGTGATGACCGTGGCTATCCTGCTGGTGATGG-3'
Protein context (NP_006010.2, residues 762-782): LGREVGVAAV[Val772Met]LVPIFAAFAV

ClinVar aggregate classification (germline): Uncertain significance (1 of 4 stars; one submission).

gnomAD v4.1: 2 of 1,613,688 alleles (0.00012%); highest among the groups gnomAD compares: Non-Finnish European, 0.00017%; no homozygotes.

Submission:

Labcorp Genetics (formerly Invitae), Labcorp
Classification: Uncertain significance. Last evaluated: 2024-12-13. Review status: criteria provided, single submitter. Criteria: Invitae Variant Classification Sherloc (09022015). Collection method: clinical testing. Allele origin: germline.
Comment: This sequence change replaces valine, which is neutral and non-polar, with methionine, which is neutral and non-polar, at codon 772 of the TCIRG1 protein (p.Val772Met). This variant is not present in population databases (gnomAD no frequency). This variant has not been reported in the literature in individuals affected with TCIRG1-related conditions. Invitae Evidence Modeling of protein sequence and biophysical properties (such as structural, functional, and spatial information, amino acid conservation, physicochemical variation, residue mobility, and thermodynamic stability) indicates that this missense variant is not expected to disrupt TCIRG1 protein function with a negative predictive value of 80%. In summary, the available evidence is currently insufficient to determine the role of this variant in disease. Therefore, it has been classified as a Variant of Uncertain Significance.